The following is an entry in ClinVar:

ClinVar aggregate classification (germline): Uncertain significance (1 of 4 stars; one submission).

Submission:

GeneDx
Classification: Uncertain significance. Last evaluated: 2024-09-19. Review status: criteria provided, single submitter. Criteria: GeneDx Variant Classification Process June 2021. Collection method: clinical testing. Allele origin: germline. Affected: yes.
Comment: Not observed at significant frequency in large population cohorts (gnomAD); In silico analysis indicates that this missense variant does not alter protein structure/function; Has not been previously published as pathogenic or benign to our knowledge

NM_005909.5(MAP1B):c.5464A>C (p.Ile1822Leu)

Gene: MAP1B (microtubule associated protein 1B; plus strand). Cytogenetic location: 5q13.2.
Variant type: single nucleotide variant.
Coding change: c.5464A>C on transcript NM_005909.5 (MANE Select); coding-DNA position 5464, A replaced by C.
Protein change: p.Ile1822Leu; replaces isoleucine 1822 with leucine.
Molecular consequence: missense variant.
Genome position (GRCh38, 1-based): chr5:72,198,819, A>C. VCF-style: chr5-72198819-A-C. GRCh37 (hg19) VCF-style: chr5-71494646-A-C.
Other names: c.5086A>C, p.Ile1696Leu (NM_001324255.2); short protein forms I1696L, I1822L.
Identifiers: ClinVar variation 3774225 (VCV003774225.1).